The following is an entry in ClinVar:

NM_006231.4(POLE):c.479_480del (p.Val160fs)

Gene: POLE (DNA polymerase epsilon, catalytic subunit; minus strand). Cytogenetic location: 12q24.33.
Variant type: Microsatellite.
Coding change: c.479_480del on transcript NM_006231.4 (MANE Select); coding-DNA positions 479 to 480, 2 bases deleted (TG; older notation c.479_480delTG).
Protein change: p.Val160fs; shifts the reading frame from valine 160.
Molecular consequence: frameshift variant.
Genome position (GRCh38, 1-based): chr12:132,679,595-132,679,596, CA deleted on the plus strand (TG on the coding strand, the reverse complement: POLE is on the minus strand); deleting any 2 consecutive bases within chr12:132,679,595-132,679,598 gives the same sequence; the c. name uses the placement nearest the transcript's 3' end. VCF-style (leftmost placement, unchanged base first): chr12-132679594-CCA-C. GRCh37 (hg19) VCF-style: chr12-133256180-CCA-C.
Other names: short protein forms V160fs.
Identifiers: ClinVar variation 2862887 (VCV002862887.3), dbSNP rs2542188601, ClinGen allele CA2739277396.

ClinVar aggregate classification (germline): Pathogenic (1 of 4 stars; one submission).

Submission:

Labcorp Genetics (formerly Invitae), Labcorp
Classification: Pathogenic. Last evaluated: 2023-05-16. Review status: criteria provided, single submitter. Criteria: Invitae Variant Classification Sherloc (09022015). Collection method: clinical testing. Allele origin: germline.
Comment: This sequence change creates a premature translational stop signal (p.Val160Glyfs*43) in the POLE gene. It is expected to result in an absent or disrupted protein product. Loss-of-function variants in POLE are known to be pathogenic (PMID: 23230001, 25948378, 30503519). For these reasons, this variant has been classified as Pathogenic. This variant has not been reported in the literature in individuals affected with POLE-related conditions. This variant is not present in population databases (gnomAD no frequency).

Literature cited by the submitters: PubMed 23230001; PubMed 25948378; PubMed 30503519.